The following is an entry in ClinVar:

ClinVar aggregate classification (germline): Likely benign. Review status: criteria provided, multiple submitters, no conflicts (2 of 4 stars). 2 submissions from 2 submitters: Likely benign (2). Last evaluated 2025-08-01.

Conditions:
Inborn genetic diseases. Identifiers: MedGen C0950123, MeSH D030342.

Allele frequency attached by ClinVar (database versions not stated): gnomAD 0.00001; TOPMed 0.00002.
gnomAD v4.1: 35 of 1,612,410 alleles (0.0022%); highest among the groups gnomAD compares: Non-Finnish European, 0.0029%; no homozygotes.

Submissions (2):

CeGaT Center for Human Genetics Tuebingen
Classification: Likely benign. Last evaluated: 2025-08-01. Review status: criteria provided, single submitter. Criteria: CeGaT Center For Human Genetics Tuebingen Variant Classification Criteria Version 2. Collection method: clinical testing. Allele origin: germline. Affected: yes. Observed: 2 variant alleles.
Comment: ZNF292: BP4, BS2

Ambry Genetics
Classification: Likely benign for Inborn genetic diseases. Last evaluated: 2023-06-22. Review status: criteria provided, single submitter. Criteria: Ambry Variant Classification Scheme 2023. Collection method: clinical testing. Allele origin: germline.

NM_015021.3(ZNF292):c.7025A>C (p.Glu2342Ala)

Gene: ZNF292 (zinc finger protein 292; plus strand). Cytogenetic location: 6q14.3.
Variant type: single nucleotide variant.
Coding change: c.7025A>C on transcript NM_015021.3 (MANE Select); coding-DNA position 7025, A replaced by C.
Protein change: p.Glu2342Ala; replaces glutamic acid 2342 with alanine.
Molecular consequence: missense variant.
Genome position (GRCh38, 1-based): chr6:87,260,654, A>C. VCF-style: chr6-87260654-A-C. GRCh37 (hg19) VCF-style: chr6-87970372-A-C.
Other names: c.6605A>C, p.Glu2202Ala (NM_001351444.2); short protein forms E2342A, E2202A.
Identifiers: ClinVar variation 2599772 (VCV002599772.10), dbSNP rs763030288, ClinGen allele CA3914724.